The following is an entry in ClinVar:

NM_000507.4(FBP1):c.960_961insG (p.Ser321fs)

Gene: FBP1 (fructose-bisphosphatase 1; minus strand). Cytogenetic location: 9q22.32.
Variant type: Insertion.
Coding change: c.960_961insG on transcript NM_000507.4 (MANE Select); coding-DNA positions 960 to 961, G inserted.
Protein change: p.Ser321fs; shifts the reading frame from serine 321.
Molecular consequence: frameshift variant.
Genome position: GRCh38 VCF-style: chr9-94603437-A-AC. GRCh37 (hg19) VCF-style: chr9-97365719-A-AC.
Other names: p.Ser321Valfs*13; c.960_961insG, p.Ser321fs (NM_001127628.2); short protein forms S321fs.
Identifiers: ClinVar variation 867 (VCV000000867.33), dbSNP rs757653154, ClinGen allele CA212752.
Genomic context (GRCh38, chr9:94,603,437, plus strand): 5'-GTGCTCACTGGGCAGAGTGCTTCTCATACACCTTCAGGAACTCGAGCACGTCGTCGGGGG[A>AC]TCCCAAGATCACCGGCGCCCTCTGGTGAATGTCTGTGGGAATGACGTCTAACACGGCCTC-3'

ClinVar aggregate classification (germline): Pathogenic/Likely pathogenic. Review status: criteria provided, multiple submitters, no conflicts (2 of 4 stars). 12 submissions from 12 submitters: Pathogenic (9); Likely pathogenic (2). 1 of the submissions does not count toward it. Last evaluated 2026-01-19.

Conditions:
FBP1-related disorder. Also called: FBP1-related condition.
Inborn genetic diseases. Identifiers: MedGen C0950123, MeSH D030342.
Fructose-biphosphatase deficiency (FBP1D). Also called: Fructose 1,6 Bisphosphatase Deficiency; Fructose-1,6-Bisphosphatase 1 Deficiency; Fructose-1,6-Diphosphatase Deficiency. Identifiers: Orphanet 348, MedGen C0016756, MONDO:0009251, OMIM 229700.

Allele frequency attached by ClinVar (database versions not stated): gnomAD 0.00021 and 0.00022; gnomAD exomes 0.00012 and 0.00008; ExAC 0.00010.

Submissions (12):

Labcorp Genetics (formerly Invitae), Labcorp
Classification: Pathogenic for Fructose-biphosphatase deficiency. Last evaluated: 2026-01-19. Review status: criteria provided, single submitter. Criteria: Invitae Variant Classification Sherloc (09022015). Collection method: clinical testing. Allele origin: germline.
Comment: This sequence change creates a premature translational stop signal (p.Ser321Valfs*13) in the FBP1 gene. While this is not anticipated to result in nonsense mediated decay, it is expected to disrupt the last 18 amino acid(s) of the FBP1 protein. This variant is present in population databases (rs757653154, gnomAD 0.03%). This premature translational stop signal has been observed in individuals with fructose-1,6-bisphosphatase deficiency (PMID: 28420223, 28776561). It has also been observed to segregate with disease in related individuals. ClinVar contains an entry for this variant (Variation ID: 867). For these reasons, this variant has been classified as Pathogenic.

PreventionGenetics, part of Exact Sciences
Classification: Pathogenic for FBP1-related condition. Last evaluated: 2025-02-24. Review status: criteria provided, single submitter. Criteria: ACMG Guidelines, 2015. Collection method: clinical testing. Allele origin: germline.
Comment: The FBP1 c.960_961insG variant is predicted to result in a frameshift and premature protein termination (p.Ser321Valfs*13). This variant has been reported in the homozygous state or heterozygous state with a second pathogenic FBP1 variant in patients with fructose-1,6-bisphophatase deficiency (e.g., described as InsG960/961 in Kikawa et al. 1997. PubMed ID: 9382095; Li et al. 2017. PubMed ID: 28420223). This variant is located in the last exon of FBP1 and although it is not expected to result in nonsense-mediated mRNA decay, it is predicted to disrupt the C-terminus of the FBP1 protein. This variant is reported in 0.024% of alleles in individuals of African descent in gnomAD. Other frameshift variants both up- and downstream of this variant have been reported in association with FBP1 fructose-1,6-bisphophatase deficiency (Human Gene Mutation Database). Based on the collective evidence, this variant is interpreted as pathogenic.

3billion
Classification: Likely pathogenic for Fructose-biphosphatase deficiency. Last evaluated: 2025-01-10. Review status: criteria provided, single submitter. Criteria: ACMG Guidelines, 2015. Collection method: clinical testing. Allele origin: germline. Affected: yes.

CeGaT Center for Human Genetics Tuebingen
Classification: Pathogenic. Last evaluated: 2024-09-01. Review status: criteria provided, single submitter. Criteria: CeGaT Center For Human Genetics Tuebingen Variant Classification Criteria Version 2. Collection method: clinical testing. Allele origin: germline. Affected: yes. Observed: 1 variant allele.
Comment: FBP1: PVS1, PM2

Mayo Clinic Laboratories, Mayo Clinic
Classification: Pathogenic. Last evaluated: 2023-12-13. Review status: criteria provided, single submitter. Criteria: ACMG Guidelines, 2015. Collection method: clinical testing. Allele origin: germline. Observed: 1 variant allele.
Comment: PP4, PM2_moderate, PM3_very_strong, PS3, PVS1_moderate

Department of Pathology and Laboratory Medicine, Sinai Health System
Classification: Pathogenic for Fructose-biphosphatase deficiency. Last evaluated: 2023-07-12. Review status: criteria provided, single submitter. Criteria: ACMG Guidelines, 2015. Collection method: research. Allele origin: germline.

Center for Molecular Medicine, Children’s Hospital of Fudan University
Classification: Likely pathogenic for Fructose-biphosphatase deficiency. Last evaluated: 2022-12-21. Review status: criteria provided, single submitter. Criteria: ACMG Guidelines, 2015. Collection method: clinical testing. Allele origin: maternal. Affected: yes. Observed: 2 variant alleles.

Ambry Genetics
Classification: Pathogenic for Inborn genetic diseases. Last evaluated: 2022-08-01. Review status: criteria provided, single submitter. Criteria: Ambry Variant Classification Scheme 2023. Collection method: clinical testing. Allele origin: germline.
Comment: The c.960_961insG (p.S321Vfs*13) alteration, located in exon 7 (coding exon 7) of the FBP1 gene, consists of an insertion of G at position 960, causing a translational frameshift with a predicted alternate stop codon after 13 amino acids. This alteration occurs at the 3' terminus of the FBP1 gene, is not expected to trigger nonsense-mediated mRNA decay, and only impacts the last 5% of the protein. However, premature stop codons are typically deleterious in nature. This alteration has been detected in the homozygous state, or in conjunction with another FBP1 disease-causing alteration, in multiple unrelated individuals with fructose-1,6-bisphosphatase deficiency (Kato, 2015; Lebigot, 2015; Ponzi, 2018; Li, 2017; Lee, 2019; Lu, 2017; Kikawa, 1997; Kikawa, 1995). Based on the available evidence, this alteration is classified as pathogenic.

Mendelics
Classification: Pathogenic for Fructose-biphosphatase deficiency. Last evaluated: 2019-05-28. Review status: criteria provided, single submitter. Criteria: Mendelics Assertion Criteria 2017. Collection method: clinical testing. Allele origin: unknown.

Department of Medical Genetics, International Peace Maternity and Child Health Hospital, Shanghai Jiao Tong University School of Medicine
Classification: Pathogenic for Fructose-biphosphatase deficiency. Last evaluated: 2017-03-27. Review status: criteria provided, single submitter. Criteria: ACMG Guidelines, 2015. Collection method: clinical testing. Allele origin: germline. Inheritance: Autosomal recessive inheritance. Affected: yes. Observed: 1 variant allele, 1 compound heterozygote.

Juno Genomics, Hangzhou Juno Genomics, Inc
Classification: Pathogenic for Fructose-biphosphatase deficiency. Review status: criteria provided, single submitter. Criteria: ACMG Guidelines, 2015. Collection method: clinical testing. Allele origin: germline.
Comment: Absent from controls (or at extremely low frequency if recessive) in Genome Aggregation Database.;Null variant in a gene where loss of function (LOF) is a known mechanism of disease.;For recessive disorders, detected in trans with a pathogenic variant.;Co-segregation with disease in multiple affected family members.

OMIM
Classification: Pathogenic for FRUCTOSE-1,6-BISPHOSPHATASE DEFICIENCY. Last evaluated: 1997-10-01. Review status: no assertion criteria provided. Collection method: literature only. Allele origin: germline. Not counted in ClinVar's aggregate classification.

Literature cited by the submitters: PubMed 28420223 (cited by 4 submitters); PubMed 28776561 (cited by 3 submitters); PubMed 26549536 (cited by Mayo Clinic Laboratories, Mayo Clinic and Ambry Genetics); PubMed 30193751 (cited by Mayo Clinic Laboratories, Mayo Clinic and Ambry Genetics); PubMed 30927757 (cited by Mayo Clinic Laboratories, Mayo Clinic and Ambry Genetics); PubMed 34687058 (cited by Mayo Clinic Laboratories, Mayo Clinic); PubMed 7763253 (cited by 3 submitters); PubMed 9382095 (cited by 3 submitters); PubMed 25601412 (cited by Ambry Genetics).